The following is an entry in ClinVar:

NM_014244.5(ADAMTS2):c.100_101insTGTCTCTTATA (p.Pro34fs)

Gene: ADAMTS2 (ADAM metallopeptidase with thrombospondin type 1 motif 2; minus strand). Cytogenetic location: 5q35.3.
Variant type: Insertion.
Coding change: c.100_101insTGTCTCTTATA on transcript NM_014244.5 (MANE Select); coding-DNA positions 100 to 101, TGTCTCTTATA inserted.
Protein change: p.Pro34fs; shifts the reading frame from proline 34.
Molecular consequence: frameshift variant.
Genome position: GRCh38 VCF-style: chr5-179345228-G-GTATAAGAGACA. GRCh37 (hg19) VCF-style: chr5-178772229-G-GTATAAGAGACA.
Other names: c.100_101insTGTCTCTTATA, p.Pro34fs (NM_021599.4); short protein forms P34fs.
Identifiers: ClinVar variation 5010602 (VCV005010602.1).

ClinVar aggregate classification (germline): Pathogenic (1 of 4 stars; one submission).

Conditions:
Ehlers-Danlos syndrome, dermatosparaxis type. Also called: EDS VIIC; Dermatosparaxis; Ehlers-Danlos syndrome, type VII, autosomal recessive. Identifiers: Orphanet 1901, MedGen C2700425, MONDO:0009161, OMIM 225410.

Submission:

Myriad Genetics, Inc.
Classification: Pathogenic for Ehlers-Danlos syndrome, dermatosparaxis type. Last evaluated: 2024-05-14. Review status: criteria provided, single submitter. Criteria: Myriad Autosomal Dominant, Autosomal Recessive and X-Linked Classification Criteria (2023). Collection method: clinical testing. Allele origin: unknown.
Comment: NM_014244.4(ADAMTS2):c.100_101ins11(P34Lfs*135) is expected to be pathogenic in the context of Ehlers-Danlos syndrome, ADAMTS2-related. This variant is predicted to lead to an abnormal or absent protein product due to the creation of a premature termination codon in ADAMTS2, a gene where loss-of-function variants are known to be pathogenic. Please note: this variant was assessed in the context of healthy population screening.